The following is an entry in ClinVar:

ClinVar aggregate classification (germline): Uncertain significance (1 of 4 stars; one submission).

Conditions:
Cardiomyopathy (CMYO). Also called: Cardiomyopathies. Identifiers: Orphanet 167848, MedGen C0878544, MONDO:0004994, HP:0001638. Inheritance: Various modes of inheritance.

gnomAD v4.1: 2 of 1,613,474 alleles (0.00012%); highest among the groups gnomAD compares: Non-Finnish European, 0.00017%; no homozygotes.

Submission:

Color Diagnostics, LLC DBA Color Health
Classification: Uncertain significance for Cardiomyopathy. Last evaluated: 2023-12-05. Review status: criteria provided, single submitter. Criteria: ACMG Guidelines, 2015. Collection method: clinical testing. Allele origin: germline.
Comment: Variant of Uncertain Significance due to insufficient evidence: This missense variant replaces lysine with isoleucine at codon 812 of the RYR2 protein. Computational prediction tools and conservation analyses are inconclusive regarding the impact of this variant on the protein function. Computational splicing tools suggest that this variant may not impact RNA splicing. To our knowledge, functional assays have not been performed for this variant nor has this variant been reported in individuals affected with cardiovascular disorders in the literature. This variant is rare in the general population and has been identified in 0/277264 chromosomes by the Genome Aggregation Database (gnomAD). Available evidence is insufficient to determine the role of this variant in disease conclusively.

NM_001035.3(RYR2):c.2435A>T (p.Lys812Ile)

Gene: RYR2 (ryanodine receptor 2; plus strand). Cytogenetic location: 1q43.
Variant type: single nucleotide variant.
Coding change: c.2435A>T on transcript NM_001035.3 (MANE Select); coding-DNA position 2435, A replaced by T.
Protein change: p.Lys812Ile; replaces lysine 812 with isoleucine.
Molecular consequence: missense variant.
Genome position (GRCh38, 1-based): chr1:237,503,327, A>T. VCF-style: chr1-237503327-A-T. GRCh37 (hg19) VCF-style: chr1-237666627-A-T.
Other names: short protein forms K812I.
Identifiers: ClinVar variation 927610 (VCV000927610.5), dbSNP rs779155482, ClinGen allele CA345378743.
Genomic context (GRCh38, chr1:237,503,327, plus strand): 5'-CTCTAACGTGCATCCTCTTTAGAGTACGCTTTCTGCTTGGAGGGCGACATGGAGAATTCA[A>T]ATTTCTTCCTCCACCTGGGTATGCTCCTTGTTATGAAGCTGTTCTGCCAAAAGAAAAGTT-3'
Protein context (NP_001026.2, residues 802-822): FLLGGRHGEF[Lys812Ile]FLPPPGYAPC